The following is an entry in ClinVar:

ClinVar aggregate classification (germline): Uncertain significance. Review status: criteria provided, multiple submitters, no conflicts (2 of 4 stars). 2 submissions from 2 submitters: Uncertain significance (2). Last evaluated 2024-11-18.

Conditions:
Parathyroid carcinoma (PRTC). Also called: CDC73-Related Parathyroid Carcinoma; Parathyroid gland carcinoma. Identifiers: Orphanet 143, MedGen C0687150, MONDO:0012004, OMIM 608266, HP:0006780.
Hereditary cancer-predisposing syndrome. Also called: Tumor predisposition; Neoplastic Syndromes, Hereditary; Hereditary Cancer Syndrome; Hereditary neoplastic syndrome. Identifiers: Orphanet 140162, MedGen C0027672, MeSH D009386, MONDO:0015356.

Submissions (2):

Ambry Genetics
Classification: Uncertain significance for Hereditary cancer-predisposing syndrome. Last evaluated: 2024-11-18. Review status: criteria provided, single submitter. Criteria: Ambry Variant Classification Scheme 2023. Collection method: clinical testing. Allele origin: germline.
Comment: The p.K409R variant (also known as c.1226A>G), located in coding exon 14 of the CDC73 gene, results from an A to G substitution at nucleotide position 1226. The lysine at codon 409 is replaced by arginine, an amino acid with highly similar properties. This amino acid position is conserved. In addition, the in silico prediction for this alteration is inconclusive. Based on the available evidence, the clinical significance of this variant remains unclear.

Labcorp Genetics (formerly Invitae), Labcorp
Classification: Uncertain significance for Parathyroid carcinoma. Last evaluated: 2024-08-01. Review status: criteria provided, single submitter. Criteria: Invitae Variant Classification Sherloc (09022015). Collection method: clinical testing. Allele origin: germline.
Comment: This sequence change replaces lysine, which is basic and polar, with arginine, which is basic and polar, at codon 409 of the CDC73 protein (p.Lys409Arg). This variant is not present in population databases (gnomAD no frequency). This variant has not been reported in the literature in individuals affected with CDC73-related conditions. Advanced modeling of protein sequence and biophysical properties (such as structural, functional, and spatial information, amino acid conservation, physicochemical variation, residue mobility, and thermodynamic stability) performed at Invitae indicates that this missense variant is not expected to disrupt CDC73 protein function with a negative predictive value of 80%. In summary, the available evidence is currently insufficient to determine the role of this variant in disease. Therefore, it has been classified as a Variant of Uncertain Significance.

NM_024529.5(CDC73):c.1226A>G (p.Lys409Arg)

Gene: CDC73 (cell division cycle 73; plus strand). Cytogenetic location: 1q31.2.
Variant type: single nucleotide variant.
Coding change: c.1226A>G on transcript NM_024529.5 (MANE Select); coding-DNA position 1226, A replaced by G.
Protein change: p.Lys409Arg; replaces lysine 409 with arginine.
Molecular consequence: missense variant.
Genome position (GRCh38, 1-based): chr1:193,233,064, A>G. VCF-style: chr1-193233064-A-G. GRCh37 (hg19) VCF-style: chr1-193202194-A-G.
Other names: short protein forms K409R.
Identifiers: ClinVar variation 3488495 (VCV003488495.3).